The following is an entry in ClinVar:

NM_000049.4(ASPA):c.652T>C (p.Cys218Arg)

Genes: ASPA (aspartoacylase; plus strand), SPATA22 (spermatogenesis associated 22; minus strand). Cytogenetic location: 17p13.2.
Variant type: single nucleotide variant.
Coding change: c.652T>C on transcript NM_000049.4 (MANE Select); coding-DNA position 652, T replaced by C.
Protein change: p.Cys218Arg; replaces cysteine 218 with arginine.
Molecular consequence: missense variant. On other transcripts: intron variant (2).
Genome position (GRCh38, 1-based): chr17:3,494,367, T>C. VCF-style: chr17-3494367-T-C. GRCh37 (hg19) VCF-style: chr17-3397661-T-C.
Other names: c.652T>C, p.Cys218Arg (NM_001128085.1); c.-74+19045A>G (NM_001321336.2, NM_001321337.2); short protein forms C218R.
Identifiers: ClinVar variation 5019262 (VCV005019262.2).

ClinVar aggregate classification (germline): Uncertain significance (1 of 4 stars; one submission).

Conditions:
Spongy degeneration of central nervous system. Also called: ACY2 DEFICIENCY; AMINOACYLASE 2 DEFICIENCY; ASP DEFICIENCY; ASPA DEFICIENCY; ASPARTOACYLASE DEFICIENCY; CANAVAN-VAN BOGAERT-BERTRAND DISEASE. Identifiers: Orphanet 141, MedGen C0206307, MONDO:0010079, OMIM 271900.

Submission:

Juno Genomics, Hangzhou Juno Genomics, Inc
Classification: Uncertain significance for Spongy degeneration of central nervous system. Review status: criteria provided, single submitter. Criteria: ACMG Guidelines, 2015. Collection method: clinical testing. Allele origin: germline.
Comment: Absent from controls (or at extremely low frequency if recessive) in Genome Aggregation Database.;Multiple lines of computational evidence support a deleterious effect on the gene or gene product.